The following is an entry in ClinVar:

NM_020458.4(TTC7A):c.1690G>A (p.Asp564Asn)

Gene: TTC7A (tetratricopeptide repeat domain 7A; plus strand). Cytogenetic location: 2p21.
Variant type: single nucleotide variant.
Coding change: c.1690G>A on transcript NM_020458.4 (MANE Select); coding-DNA position 1690, G replaced by A.
Protein change: p.Asp564Asn; replaces aspartic acid 564 with asparagine.
Molecular consequence: missense variant.
Genome position (GRCh38, 1-based): chr2:47,029,272, G>A. VCF-style: chr2-47029272-G-A. GRCh37 (hg19) VCF-style: chr2-47256411-G-A.
Other names: c.1690G>A, p.Asp564Asn (NM_001288951.2); c.1588G>A, p.Asp530Asn (NM_001288953.2); c.628G>A, p.Asp210Asn (NM_001288955.2); short protein forms D210N, D530N, D564N.
Identifiers: ClinVar variation 2105542 (VCV002105542.4), dbSNP rs2466906614, ClinGen allele CA346717218.

ClinVar aggregate classification (germline): Uncertain significance (1 of 4 stars; one submission).

Conditions:
Multiple gastrointestinal atresias. Also called: Multiple intestinal atresia; FAMILIAL INTESTINAL POLYATRESIA SYNDROME. Identifiers: Orphanet 2300, MedGen C0220744, MONDO:0009465.

gnomAD v4.1: 1 of 1,614,044 alleles (0.000062%); highest among the groups gnomAD compares: Non-Finnish European, 0.000085%; no homozygotes.

Submission:

Labcorp Genetics (formerly Invitae), Labcorp
Classification: Uncertain significance for Multiple gastrointestinal atresias. Last evaluated: 2022-03-01. Review status: criteria provided, single submitter. Criteria: Invitae Variant Classification Sherloc (09022015). Collection method: clinical testing. Allele origin: germline.
Comment: In summary, the available evidence is currently insufficient to determine the role of this variant in disease. Therefore, it has been classified as a Variant of Uncertain Significance. Algorithms developed to predict the effect of missense changes on protein structure and function are either unavailable or do not agree on the potential impact of this missense change (SIFT: "Deleterious"; PolyPhen-2: "Possibly Damaging"; Align-GVGD: "Class C0"). This variant has not been reported in the literature in individuals affected with TTC7A-related conditions. This variant is not present in population databases (gnomAD no frequency). This sequence change replaces aspartic acid, which is acidic and polar, with asparagine, which is neutral and polar, at codon 564 of the TTC7A protein (p.Asp564Asn).